The following is an entry in ClinVar:

NM_001365999.1(SZT2):c.536G>A (p.Arg179Gln)

Gene: SZT2 (SZT2 subunit of KICSTOR complex; plus strand). Cytogenetic location: 1p34.2.
Variant type: single nucleotide variant.
Coding change: c.536G>A on transcript NM_001365999.1 (MANE Select); coding-DNA position 536, G replaced by A.
Protein change: p.Arg179Gln; replaces arginine 179 with glutamine.
Molecular consequence: missense variant.
Genome position (GRCh38, 1-based): chr1:43,415,119, G>A. VCF-style: chr1-43415119-G-A. GRCh37 (hg19) VCF-style: chr1-43880790-G-A.
Other names: p.Arg179Gln; c.536G>A, p.Arg179Gln (NM_015284.4); short protein forms R179Q.
Identifiers: ClinVar variation 942663 (VCV000942663.7), dbSNP rs769112314, ClinGen allele CA808212.

ClinVar aggregate classification (germline): Uncertain significance. Review status: criteria provided, multiple submitters, no conflicts (2 of 4 stars). 2 submissions from 2 submitters: Uncertain significance (2). Last evaluated 2021-11-23.

Allele frequency attached by ClinVar (database versions not stated): TOPMed below 0.00001; gnomAD exomes 0.00001 and 0.00002; gnomAD 0.00002; ExAC 0.00004.
gnomAD v4.1: 17 of 1,597,898 alleles (0.0011%); highest among the groups gnomAD compares: East Asian, 0.0022%; no homozygotes.

Submissions (2):

Mayo Clinic Laboratories, Mayo Clinic
Classification: Uncertain significance. Last evaluated: 2021-11-23. Review status: criteria provided, single submitter. Criteria: ACMG Guidelines, 2015. Collection method: clinical testing. Allele origin: germline. Observed: 1 variant allele.
Comment: PM2

Labcorp Genetics (formerly Invitae), Labcorp
Classification: Uncertain significance. Last evaluated: 2021-08-28. Review status: criteria provided, single submitter. Criteria: Invitae Variant Classification Sherloc (09022015). Collection method: clinical testing. Allele origin: germline.
Comment: This sequence change replaces arginine with glutamine at codon 179 of the SZT2 protein (p.Arg179Gln). The arginine residue is weakly conserved and there is a small physicochemical difference between arginine and glutamine. This variant is present in population databases (rs769112314, ExAC 0.007%). This variant has not been reported in the literature in individuals affected with SZT2-related conditions. Algorithms developed to predict the effect of missense changes on protein structure and function output the following: SIFT: "Tolerated"; PolyPhen-2: "Benign"; Align-GVGD: "Class C0". The glutamine amino acid residue is found in multiple mammalian species, which suggests that this missense change does not adversely affect protein function. Algorithms developed to predict the effect of sequence changes on RNA splicing suggest that this variant may create or strengthen a splice site. In summary, the available evidence is currently insufficient to determine the role of this variant in disease. Therefore, it has been classified as a Variant of Uncertain Significance.